The following is an entry in ClinVar:

ClinVar aggregate classification (germline): Benign (1 of 4 stars; one submission).

Conditions:
Holt-Oram syndrome (HOS). Also called: TBX5-Related Holt-Oram Syndrome; Ventriculo-radial syndrome; Cardiac-limb syndrome; Heart-hand syndrome, type 1. Identifiers: Orphanet 392, MedGen C0265264, MONDO:0007732, OMIM 142900.

Allele frequency attached by ClinVar (database versions not stated): TOPMed 0.00263; 1000 Genomes Project 0.00180; 1000 Genomes Project 30x 0.00187; gnomAD 0.00248 and 0.00230.

Submission:

Illumina Laboratory Services, Illumina
Classification: Benign for Holt-Oram syndrome. Last evaluated: 2018-01-13. Review status: criteria provided, single submitter. Criteria: ICSL Variant Classification Criteria 13 December 2019. Collection method: clinical testing. Allele origin: germline.
Comment: This variant was observed in the ICSL laboratory as part of a predisposition screen in an ostensibly healthy population. It had not been previously curated by ICSL or reported in the Human Gene Mutation Database (HGMD: prior to June 1st, 2018), and was therefore a candidate for classification through an automated scoring system. Utilizing variant allele frequency, disease prevalence and penetrance estimates, and inheritance mode, an automated score was calculated to assess if this variant is too frequent to cause the disease. Based on the score and internal cut-off values, a variant classified as benign is not then subjected to further curation. The score for this variant resulted in a classification of benign for this disease.

NM_000192.3(TBX5):c.-664G>A

Genes: TBX5-AS1 (TBX5 antisense RNA 1; plus strand), TBX5 (T-box transcription factor 5; minus strand). Cytogenetic location: 12q24.21.
Variant type: single nucleotide variant.
Coding change: c.-664G>A on transcript NM_000192.3; 664 bases upstream of the start codon, G replaced by A.
Molecular consequence: 5 prime UTR variant.
Genome position (GRCh38, 1-based): chr12:114,408,439, C>T on the plus strand (G>A on the coding strand, the complement: TBX5 is on the minus strand). VCF-style: chr12-114408439-C-T. GRCh37 (hg19) VCF-style: chr12-114846244-C-T.
Identifiers: ClinVar variation 307323 (VCV000307323.7), dbSNP rs186960328, ClinGen allele CA10632092.